The following is an entry in ClinVar:

ClinVar aggregate classification (germline): Uncertain significance. Review status: criteria provided, multiple submitters, no conflicts (2 of 4 stars). 2 submissions from 2 submitters: Uncertain significance (2). Last evaluated 2026-03-31.

Conditions:
Familial thoracic aortic aneurysm and aortic dissection (TAAD). Also called: Thoracic aortic aneurysms and dissections. Identifiers: Orphanet 91387, MedGen C4707243, MONDO:0019625.

Submissions (2):

GeneDx
Classification: Uncertain significance. Last evaluated: 2026-03-31. Review status: criteria provided, single submitter. Criteria: GeneDx Variant Classification Process June 2021. Collection method: clinical testing. Allele origin: germline.
Comment: Not observed at significant frequency in large population cohorts (gnomAD); In silico analysis supports that this missense variant has a deleterious effect on protein structure/function; Has not been previously published as pathogenic or benign to our knowledge

Ambry Genetics
Classification: Uncertain significance for Familial thoracic aortic aneurysm and aortic dissection. Last evaluated: 2025-06-13. Review status: criteria provided, single submitter. Criteria: Ambry Variant Classification Scheme 2023. Collection method: clinical testing. Allele origin: germline.
Comment: The p.L1516P variant (also known as c.4547T>C), located in coding exon 31 of the MYH11 gene, results from a T to C substitution at nucleotide position 4547. The leucine at codon 1516 is replaced by proline, an amino acid with similar properties. This variant was reported in individual(s) with features consistent with MYH11-related thoracic aortic aneurysm and dissection (Ambry internal data). This amino acid position is highly conserved in available vertebrate species. In addition, this alteration is predicted to be deleterious by in silico analysis. Based on the available evidence, the clinical significance of this variant remains unclear.

NM_002474.3(MYH11):c.4547T>C (p.Leu1516Pro)

Genes: MYH11 (myosin heavy chain 11; minus strand), NDE1 (nudE neurodevelopment protein 1; plus strand). Cytogenetic location: 16p13.11.
Variant type: single nucleotide variant.
Coding change: c.4547T>C on transcript NM_002474.3 (MANE Select); coding-DNA position 4547, T replaced by C.
Protein change: p.Leu1516Pro; replaces leucine 1516 with proline.
Molecular consequence: missense variant. On other transcripts: intron variant (2).
Genome position (GRCh38, 1-based): chr16:15,721,453, A>G on the plus strand (T>C on the coding strand, the complement: MYH11 is on the minus strand). VCF-style: chr16-15721453-A-G. GRCh37 (hg19) VCF-style: chr16-15815310-A-G.
Other names: c.4568T>C, p.Leu1523Pro (NM_001040113.2, NM_001040114.2); c.4547T>C, p.Leu1516Pro (NM_022844.3); c.948-2738A>G (NM_001143979.2, NM_017668.3); short protein forms L1523P, L1516P.
Identifiers: ClinVar variation 3915407 (VCV003915407.2).